The following is an entry in ClinVar:

ClinVar aggregate classification (germline): Conflicting classifications of pathogenicity. Review status: criteria provided, conflicting classifications (1 of 4 stars). 3 submissions from 3 submitters: Likely pathogenic (2); Uncertain significance (1). Last evaluated 2022-12-02.

Conditions:
Leigh syndrome (NULS). Also called: Leigh Disease; LEIGH SYNDROME, NUCLEAR; Leigh Syndrome (mtDNA deletion); Leigh's syndrome; Subacute necrotizing encephalopathy; Necrotizing encephalopathy infantile subacute of Leigh. Identifiers: Orphanet 506, MedGen C2931891, MONDO:0009723, OMIM 256000.

Allele frequency attached by ClinVar (database versions not stated): ExAC 0.00001; gnomAD 0.00001; gnomAD exomes 0.00001 and 0.00002; TOPMed 0.00002.
gnomAD v4.1: 9 of 1,609,414 alleles (0.00056%); highest among the groups gnomAD compares: Admixed American, 0.015%; no homozygotes.

Submissions (3):

Labcorp Genetics (formerly Invitae), Labcorp
Classification: Uncertain significance. Last evaluated: 2022-12-02. Review status: criteria provided, single submitter. Criteria: Invitae Variant Classification Sherloc (09022015). Collection method: clinical testing. Allele origin: germline.
Comment: In summary, the available evidence is currently insufficient to determine the role of this variant in disease. Therefore, it has been classified as a Variant of Uncertain Significance. Algorithms developed to predict the effect of missense changes on protein structure and function (SIFT, PolyPhen-2, Align-GVGD) all suggest that this variant is likely to be disruptive. ClinVar contains an entry for this variant (Variation ID: 216970). This missense change has been observed in individual(s) with Leigh syndrome (PMID: 25326637). This variant is present in population databases (rs764276946, gnomAD 0.02%). This sequence change replaces lysine, which is basic and polar, with glutamic acid, which is acidic and polar, at codon 115 of the NDUFS8 protein (p.Lys115Glu).

Baylor Genetics
Classification: Likely pathogenic for Leigh syndrome. Last evaluated: 2020-07-27. Review status: criteria provided, single submitter. Criteria: ACMG Guidelines, 2015. Collection method: clinical testing. Allele origin: unknown. Affected: yes.
Comment: This variant was determined to be likely pathogenic according to ACMG Guidelines, 2015 [PMID:25741868].

UCLA Clinical Genomics Center, UCLA
Classification: Likely pathogenic for Leigh's disease. Last evaluated: 2012-10-16. Review status: criteria provided, single submitter. Criteria: Lee et al. (JAMA. 2014). Collection method: clinical testing. Allele origin: germline. Inheritance: Autosomal recessive inheritance. Affected: yes. Study: CES.

Literature cited by the submitters: PubMed 25326637 (cited by Labcorp Genetics (formerly Invitae), Labcorp).

NM_002496.4(NDUFS8):c.343A>G (p.Lys115Glu)

Gene: NDUFS8 (NADH:ubiquinone oxidoreductase core subunit S8; plus strand). Cytogenetic location: 11q13.2.
Variant type: single nucleotide variant.
Coding change: c.343A>G on transcript NM_002496.4 (MANE Select); coding-DNA position 343, A replaced by G.
Protein change: p.Lys115Glu; replaces lysine 115 with glutamic acid.
Molecular consequence: missense variant.
Genome position (GRCh38, 1-based): chr11:68,033,254, A>G. VCF-style: chr11-68033254-A-G. GRCh37 (hg19) VCF-style: chr11-67800721-A-G.
Other names: short protein forms K115E.
Identifiers: ClinVar variation 216970 (VCV000216970.10), dbSNP rs764276946, ClinGen allele CA277529.